The following is an entry in ClinVar:

NM_001002295.2(GATA3):c.384dup (p.Pro129fs)

Gene: GATA3 (GATA binding protein 3; plus strand). Cytogenetic location: 10p14.
Variant type: Duplication.
Coding change: c.384dup on transcript NM_001002295.2 (MANE Select); coding-DNA position 384, one base duplicated (G; older notation c.384dupG).
Protein change: p.Pro129fs; shifts the reading frame from proline 129.
Molecular consequence: frameshift variant.
Genome position (GRCh38, 1-based): chr10:8,058,447, G duplicated; the last of 4 consecutive G bases (chr10:8,058,444-8,058,447); duplicating any one gives the same sequence. VCF-style (leftmost placement, unchanged base first): chr10-8058443-C-CG. GRCh37 (hg19) VCF-style: chr10-8100406-C-CG.
Other names: p.Pro129Alafs*175; c.384dup, p.Pro129fs (NM_001441115.1, NM_001441116.1, NM_001441117.1 and 18 more transcripts); short protein forms P129fs.
Identifiers: ClinVar variation 4541524 (VCV004541524.1).

ClinVar aggregate classification (germline): Likely pathogenic (1 of 4 stars; one submission).

Submission:

Mayo Clinic Laboratories, Mayo Clinic
Classification: Likely pathogenic. Last evaluated: 2024-11-06. Review status: criteria provided, single submitter. Criteria: ACMG Guidelines, 2015. Collection method: clinical testing. Allele origin: germline. Observed: 1 variant allele.
Comment: PM2_supporting, PVS1